The following is an entry in ClinVar:

NM_005055.5(RAPSN):c.760G>A (p.Asp254Asn)

Gene: RAPSN (receptor associated protein of the synapse; minus strand). Cytogenetic location: 11p11.2.
Variant type: single nucleotide variant.
Coding change: c.760G>A on transcript NM_005055.5 (MANE Select); coding-DNA position 760, G replaced by A.
Protein change: p.Asp254Asn; replaces aspartic acid 254 with asparagine.
Molecular consequence: missense variant.
Genome position (GRCh38, 1-based): chr11:47,441,852, C>T on the plus strand (G>A on the coding strand, the complement: RAPSN is on the minus strand). VCF-style: chr11-47441852-C-T. GRCh37 (hg19) VCF-style: chr11-47463404-C-T.
Other names: c.760G>A (NM_005055.4); c.760G>A, p.Asp254Asn (NM_032645.5); short protein forms D254N.
Identifiers: ClinVar variation 1367480 (VCV001367480.7), dbSNP rs750888238, ClinGen allele CA5976649.

ClinVar aggregate classification (germline): Uncertain significance. Review status: criteria provided, multiple submitters, no conflicts (2 of 4 stars). 2 submissions from 2 submitters: Uncertain significance (2). Last evaluated 2025-04-25.

Conditions:
Congenital myasthenic syndrome 11. Also called: Myasthenic syndrome, congenital, 11, associated with acetylcholine receptor deficiency; MYASTHENIC SYNDROME, CONGENITAL, Ie. Identifiers: Orphanet 590, MedGen C4225367, MONDO:0014588, OMIM 616326.
Fetal akinesia deformation sequence 1 (FADS1). Also called: Fetal akinesia sequence; Pena-Shokeir syndrome type I. Identifiers: Orphanet 994, MedGen C1276035, MONDO:0100101, OMIM 208150, HP:0001989.
Inborn genetic diseases. Identifiers: MedGen C0950123, MeSH D030342.

Allele frequency attached by ClinVar (database versions not stated): gnomAD exomes below 0.00001 and 0.00001; gnomAD 0.00001; ExAC 0.00002.
gnomAD v4.1: 4 of 1,573,008 alleles (0.00025%); highest among the groups gnomAD compares: Admixed American, 0.0053%; no homozygotes.

Submissions (2):

Ambry Genetics
Classification: Uncertain significance for Inborn genetic diseases. Last evaluated: 2025-04-25. Review status: criteria provided, single submitter. Criteria: Ambry Variant Classification Scheme 2023. Collection method: clinical testing. Allele origin: germline.

Labcorp Genetics (formerly Invitae), Labcorp
Classification: Uncertain significance for Congenital myasthenic syndrome 11; Fetal akinesia deformation sequence 1. Last evaluated: 2024-10-26. Review status: criteria provided, single submitter. Criteria: Invitae Variant Classification Sherloc (09022015). Collection method: clinical testing. Allele origin: germline.
Comment: This sequence change replaces aspartic acid, which is acidic and polar, with asparagine, which is neutral and polar, at codon 254 of the RAPSN protein (p.Asp254Asn). This variant is present in population databases (rs750888238, gnomAD 0.006%). This variant has not been reported in the literature in individuals affected with RAPSN-related conditions. ClinVar contains an entry for this variant (Variation ID: 1367480). Invitae Evidence Modeling of protein sequence and biophysical properties (such as structural, functional, and spatial information, amino acid conservation, physicochemical variation, residue mobility, and thermodynamic stability) indicates that this missense variant is expected to disrupt RAPSN protein function with a positive predictive value of 95%. In summary, the available evidence is currently insufficient to determine the role of this variant in disease. Therefore, it has been classified as a Variant of Uncertain Significance.